The following is an entry in ClinVar:

ClinVar aggregate classification (germline): Uncertain significance (1 of 4 stars; one submission).

gnomAD v4.1: 1 of 1,602,202 alleles (0.000062%); highest among the groups gnomAD compares: Non-Finnish European, 0.000086%; no homozygotes.

Submission:

GeneDx
Classification: Uncertain significance. Last evaluated: 2024-12-18. Review status: criteria provided, single submitter. Criteria: GeneDx Variant Classification Process June 2021. Collection method: clinical testing. Allele origin: germline. Affected: yes.
Comment: Not observed at significant frequency in large population cohorts (gnomAD); In silico analysis supports that this missense variant has a deleterious effect on protein structure/function; In silico analysis supports a deleterious effect on splicing; Has not been previously published as pathogenic or benign to our knowledge

NM_002576.5(PAK1):c.836G>T (p.Gly279Val)

Gene: PAK1 (p21 (RAC1) activated kinase 1; minus strand). Cytogenetic location: 11q13.5.
Variant type: single nucleotide variant.
Coding change: c.836G>T on transcript NM_002576.5 (MANE Select); coding-DNA position 836, G replaced by T.
Protein change: p.Gly279Val; replaces glycine 279 with valine.
Molecular consequence: missense variant. On other transcripts: non-coding transcript variant (2), intron variant (2).
Genome position (GRCh38, 1-based): chr11:77,353,536, C>A on the plus strand (G>T on the coding strand, the complement: PAK1 is on the minus strand). VCF-style: chr11-77353536-C-A. GRCh37 (hg19) VCF-style: chr11-77064581-C-A.
Other names: c.836G>T, p.Gly279Val (NM_001128620.2, NM_001376268.1, NM_001376269.1 and 23 more transcripts); c.857G>T, p.Gly286Val (NM_001376272.1); c.827G>T, p.Gly276Val (NM_001376294.1); c.587G>T, p.Gly196Val (NM_001376301.1); c.542G>T, p.Gly181Val (NM_001376302.1, NM_001376304.1, NM_001376305.1); c.597+5362G>T (NM_001376303.1); c.772+2132G>T (NM_001376295.1); short protein forms G181V, G196V, G276V, G279V, G286V.
Identifiers: ClinVar variation 3906272 (VCV003906272.1).